The following is an entry in ClinVar:

NM_020937.4(FANCM):c.6122_6125del (p.Gln2041fs)

Gene: FANCM (FA complementation group M; plus strand). Cytogenetic location: 14q21.2.
Variant type: Deletion.
Coding change: c.6122_6125del on transcript NM_020937.4 (MANE Select); coding-DNA positions 6122 to 6125, 4 bases deleted (AAGA; older notation c.6122_6125delAAGA).
Protein change: p.Gln2041fs; shifts the reading frame from glutamine 2041.
Molecular consequence: frameshift variant.
Genome position (GRCh38, 1-based): chr14:45,199,983-45,199,986, AAGA deleted. VCF-style (leftmost placement, unchanged base first): chr14-45199982-CAAGA-C. GRCh37 (hg19) VCF-style: chr14-45669185-CAAGA-C.
Other names: c.6044_6047del, p.Gln2015fs (NM_001308133.2); short protein forms Q2041fs, Q2015fs.
Identifiers: ClinVar variation 2729237 (VCV002729237.3), dbSNP rs1890273129, ClinGen allele CA2133625501.

ClinVar aggregate classification (germline): Uncertain significance (1 of 4 stars; one submission).

Conditions:
Fanconi anemia (FA). Also called: Fanconi's anemia. Identifiers: Orphanet 84, MedGen C0015625, MeSH D005199, MONDO:0019391.

Allele frequency attached by ClinVar (database versions not stated): gnomAD exomes below 0.00001; TOPMed below 0.00001.

Submission:

Labcorp Genetics (formerly Invitae), Labcorp
Classification: Uncertain significance for Fanconi anemia. Last evaluated: 2023-03-09. Review status: criteria provided, single submitter. Criteria: Invitae Variant Classification Sherloc (09022015). Collection method: clinical testing. Allele origin: germline.
Comment: This variant is not present in population databases (gnomAD no frequency). This variant has not been reported in the literature in individuals affected with FANCM-related conditions. Experimental studies and prediction algorithms are not available or were not evaluated, and the functional significance of this variant is currently unknown. In summary, the available evidence is currently insufficient to determine the role of this variant in disease. Therefore, it has been classified as a Variant of Uncertain Significance. This sequence change creates a premature translational stop signal (p.Gln2041Leufs*3) in the FANCM gene. While this is not anticipated to result in nonsense mediated decay, it is expected to disrupt the last 8 amino acid(s) of the FANCM protein.